The following is an entry in ClinVar:

NM_005236.3(ERCC4):c.2078G>T (p.Ser693Ile)

Gene: ERCC4 (ERCC excision repair 4, endonuclease catalytic subunit; plus strand). Cytogenetic location: 16p13.12.
Variant type: single nucleotide variant.
Coding change: c.2078G>T on transcript NM_005236.3 (MANE Select); coding-DNA position 2078, G replaced by T.
Protein change: p.Ser693Ile; replaces serine 693 with isoleucine.
Molecular consequence: missense variant.
Genome position (GRCh38, 1-based): chr16:13,947,674, G>T. VCF-style: chr16-13947674-G-T. GRCh37 (hg19) VCF-style: chr16-14041531-G-T.
Other names: short protein forms S693I.
Identifiers: ClinVar variation 1692882 (VCV001692882.1), dbSNP rs746784825, ClinGen allele CA7910672.

ClinVar aggregate classification (germline): Uncertain significance (1 of 4 stars; one submission).

Conditions:
Xeroderma pigmentosum (XP). Identifiers: Orphanet 910, MedGen C0043346, MONDO:0019600.

Allele frequency attached by ClinVar (database versions not stated): gnomAD exomes below 0.00001 and 0.00001; ExAC 0.00001.
gnomAD v4.1: 2 of 1,614,246 alleles (0.00012%); highest among the groups gnomAD compares: Admixed American, 0.0033%; no homozygotes.

Submission:

Sema4
Classification: Uncertain significance for Xeroderma pigmentosum. Last evaluated: 2021-12-02. Review status: criteria provided, single submitter. Criteria: Sema4 Curation Guidelines. Collection method: curation. Allele origin: germline.
Comment: The ERCC4 c.2078G>T (p.S693I) variant has not been reported in the literature to our knowledge. It was observed in 2/34592 chromosomes of the Latino subpopulation in the large and broad cohorts of the Genome Aggregation Database (PMID: 32461654). The variant has not been reported in ClinVar. In silico tools suggest the impact of the variant on protein function is deleterious, though these predictions have not been confirmed by functional studies. The evidence is insufficient to meet ACMG/AMP criteria for classifying the variant as benign or pathogenic. Thus, the clinical significance of this variant is currently uncertain.